The following is an entry in ClinVar:

NM_001164508.2(NEB):c.12158A>C (p.Lys4053Thr)

Gene: NEB (nebulin; minus strand). Cytogenetic location: 2q23.3.
Variant type: single nucleotide variant.
Coding change: c.12158A>C on transcript NM_001164508.2 (MANE Select); coding-DNA position 12158, A replaced by C.
Protein change: p.Lys4053Thr; replaces lysine 4053 with threonine.
Molecular consequence: missense variant.
Genome position (GRCh38, 1-based): chr2:151,609,981, T>G on the plus strand (A>C on the coding strand, the complement: NEB is on the minus strand). VCF-style: chr2-151609981-T-G. GRCh37 (hg19) VCF-style: chr2-152466495-T-G.
Other names: c.12158A>C, p.Lys4053Thr (NM_001164507.2, NM_001271208.2); c.11429A>C, p.Lys3810Thr (NM_004543.5); short protein forms K3810T, K4053T.
Identifiers: ClinVar variation 2188956 (VCV002188956.1), dbSNP rs1362955515, ClinGen allele CA348777393.

ClinVar aggregate classification (germline): Uncertain significance (1 of 4 stars; one submission).

Conditions:
Nemaline myopathy 2 (NEM2). Also called: Nemaline myopathy 2, autosomal recessive. Identifiers: MedGen C1850569, MONDO:0009725, OMIM 256030.

Allele frequency attached by ClinVar (database versions not stated): TOPMed below 0.00001.
gnomAD v4.1: 7 of 1,613,988 alleles (0.00043%); highest among the groups gnomAD compares: Non-Finnish European, 0.00042%; no homozygotes.

Submission:

Labcorp Genetics (formerly Invitae), Labcorp
Classification: Uncertain significance for Nemaline myopathy 2. Last evaluated: 2020-10-06. Review status: criteria provided, single submitter. Criteria: Invitae Variant Classification Sherloc (09022015). Collection method: clinical testing. Allele origin: germline.
Comment: This sequence change replaces lysine with threonine at codon 4053 of the NEB protein (p.Lys4053Thr). The lysine residue is moderately conserved and there is a moderate physicochemical difference between lysine and threonine. This variant is not present in population databases (ExAC no frequency). This variant has not been reported in the literature in individuals with NEB-related conditions. Algorithms developed to predict the effect of missense changes on protein structure and function are either unavailable or do not agree on the potential impact of this missense change (SIFT: "Deleterious"; PolyPhen-2: "Not Available"; Align-GVGD: "Class C0"). In summary, the available evidence is currently insufficient to determine the role of this variant in disease. Therefore, it has been classified as a Variant of Uncertain Significance.